The following is an entry in ClinVar:

NM_182961.4(SYNE1):c.10557A>T (p.Ser3519=)

Gene: SYNE1 (spectrin repeat containing nuclear envelope protein 1; minus strand). Cytogenetic location: 6q25.2.
Variant type: single nucleotide variant.
Coding change: c.10557A>T on transcript NM_182961.4 (MANE Select); coding-DNA position 10557, A replaced by T.
Protein change: p.Ser3519=; no amino-acid change (serine 3519 retained).
Molecular consequence: synonymous variant.
Genome position (GRCh38, 1-based): chr6:152,358,424, T>A on the plus strand (A>T on the coding strand, the complement: SYNE1 is on the minus strand). VCF-style: chr6-152358424-T-A. GRCh37 (hg19) VCF-style: chr6-152679559-T-A.
Other names: p.Ser3526=; c.10578A>T, p.Ser3526= (NM_033071.5).
Identifiers: ClinVar variation 387412 (VCV000387412.14), dbSNP rs73784326, ClinGen allele CA4056931.

ClinVar aggregate classification (germline): Benign. Review status: criteria provided, multiple submitters, no conflicts (2 of 4 stars). 4 submissions from 4 submitters: Benign (4). Last evaluated 2026-01-28.

Conditions:
Emery-Dreifuss muscular dystrophy 4, autosomal dominant (EDMD4). Also called: EMERY-DREIFUSS MUSCULAR DYSTROPHY 4 WITH VARIABLE FEATURES. Identifiers: Orphanet 261, MedGen C2751807, MONDO:0013071, OMIM 612998.
Autosomal recessive ataxia, Beauce type. Also called: ATAXIA, RECESSIVE, OF BEAUCE; SYNE1-Related Autosomal Recessive Cerebellar Ataxia; Spinocerebellar ataxia, autosomal recessive 8; SYNE1 Deficiency. Identifiers: Orphanet 88644, MedGen C1853116, MONDO:0012549, OMIM 610743.

Allele frequency attached by ClinVar (database versions not stated): ExAC 0.00150; gnomAD 0.00482 and 0.00525; TOPMed 0.00533; 1000 Genomes Project 0.00559; 1000 Genomes Project 30x 0.00578; ESP Exome Variant Server 0.00600.
gnomAD v4.1: 1,589 of 1,614,198 alleles (0.098%); highest among the groups gnomAD compares: African/African-American, 1.8%; 19 homozygotes.

Submissions (4):

Labcorp Genetics (formerly Invitae), Labcorp
Classification: Benign for Emery-Dreifuss muscular dystrophy 4, autosomal dominant; Autosomal recessive ataxia, Beauce type. Last evaluated: 2026-01-28. Review status: criteria provided, single submitter. Criteria: Invitae Variant Classification Sherloc (09022015). Collection method: clinical testing. Allele origin: germline.

Mayo Clinic Laboratories, Mayo Clinic
Classification: Benign. Last evaluated: 2024-09-16. Review status: criteria provided, single submitter. Criteria: ACMG Guidelines, 2015. Collection method: clinical testing. Allele origin: germline. Observed: 2 variant alleles.
Comment: BA1, BS2

GeneDx
Classification: Benign. Last evaluated: 2018-02-05. Review status: criteria provided, single submitter. Criteria: GeneDx Variant Classification (06012015). Collection method: clinical testing. Allele origin: germline. Affected: yes.
Comment: This variant is considered likely benign or benign based on one or more of the following criteria: it is a conservative change, it occurs at a poorly conserved position in the protein, it is predicted to be benign by multiple in silico algorithms, and/or has population frequency not consistent with disease.

Athena Diagnostics
Classification: Benign. Last evaluated: 2017-10-25. Review status: criteria provided, single submitter. Criteria: Athena Diagnostics Criteria. Collection method: clinical testing. Allele origin: germline.